The following is an entry in ClinVar:

NM_001287.6(CLCN7):c.1828_1829del (p.Ser610fs)

Gene: CLCN7 (Cl-/H+ antiporter 7; minus strand). Cytogenetic location: 16p13.3.
Variant type: Microsatellite.
Coding change: c.1828_1829del on transcript NM_001287.6 (MANE Select); coding-DNA positions 1828 to 1829, 2 bases deleted (AG; older notation c.1828_1829delAG).
Protein change: p.Ser610fs; shifts the reading frame from serine 610.
Molecular consequence: frameshift variant.
Genome position (GRCh38, 1-based): chr16:1,448,735-1,448,736, CT deleted on the plus strand (AG on the coding strand, the reverse complement: CLCN7 is on the minus strand); deleting any 2 consecutive bases within chr16:1,448,735-1,448,738 gives the same sequence; the c. name uses the placement nearest the transcript's 3' end. VCF-style (leftmost placement, unchanged base first): chr16-1448734-ACT-A. GRCh37 (hg19) VCF-style: chr16-1498735-ACT-A.
Other names: c.1756_1757del, p.Ser586fs (NM_001114331.3); c.1828_1829delAG (NM_001287.6); short protein forms S586fs, S610fs.
Identifiers: ClinVar variation 4688721 (VCV004688721.1).

ClinVar aggregate classification (germline): Pathogenic (1 of 4 stars; one submission).

Conditions:
Autosomal recessive osteopetrosis 4. Also called: infantile malignant CLCN7-related recessive osteopetrosis; CLCN7-Related Osteopetrosis. Identifiers: Orphanet 667, MedGen C1969106, MONDO:0012676, OMIM 611490.

Submission:

Women's Health and Genetics/Laboratory Corporation of America, LabCorp
Classification: Pathogenic for Autosomal recessive osteopetrosis 4. Last evaluated: 2025-12-29. Review status: criteria provided, single submitter. Criteria: LabCorp Variant Classification Summary - May 2015. Collection method: clinical testing. Allele origin: germline.
Comment: Variant summary: CLCN7 c.1828_1829delAG (p.Ser610CysfsX32) results in a premature termination codon, predicted to cause a truncation of the encoded protein or absence of the protein due to nonsense mediated decay, which are commonly known mechanisms for disease. The variant was absent in 249944 control chromosomes. To our knowledge, no occurrence of c.1828_1829delAG in individuals affected with osteopetrosis, autosomal recessive 4 and no experimental evidence demonstrating its impact on protein function have been reported. No submitters have cited clinical-significance assessments for this variant to ClinVar. To our knowledge, this variant has not been reported in individuals with autosomal dominant hypopigmentation, organomegaly, and delayed myelination and development or osteopetrosis, autosomal dominant 2. Based on the evidence outlined above, the variant was classified as pathogenic for osteopetrosis, autosomal recessive 4.